The following is an entry in ClinVar:

NM_000836.4(GRIN2D):c.2711C>G (p.Pro904Arg)

Gene: GRIN2D (glutamate ionotropic receptor NMDA type subunit 2D; plus strand). Cytogenetic location: 19q13.33.
Variant type: single nucleotide variant.
Coding change: c.2711C>G on transcript NM_000836.4 (MANE Select); coding-DNA position 2711, C replaced by G.
Protein change: p.Pro904Arg; replaces proline 904 with arginine.
Molecular consequence: missense variant.
Genome position (GRCh38, 1-based): chr19:48,442,637, C>G. VCF-style: chr19-48442637-C-G. GRCh37 (hg19) VCF-style: chr19-48945894-C-G.
Other names: short protein forms P904R.
Identifiers: ClinVar variation 2577326 (VCV002577326.2), dbSNP rs756840979, ClinGen allele CA406671176.
Genomic context (GRCh38, chr19:48,442,637, plus strand): 5'-CCGTCCTGTCCCCGGACCCGCAGGGCATGTACAGCTGCTGCAGCGCTGAGGCCGCCCCAC[C>G]GCCCGCCAAGCCCCCGCCGCCGCCACAGCCCCTGCCCAGCCCCGCGTACCCCGCGCCGCG-3'
Protein context (NP_000827.2, residues 894-914): YSCCSAEAAP[Pro904Arg]PAKPPPPPQP

ClinVar aggregate classification (germline): Uncertain significance. Review status: criteria provided, multiple submitters, no conflicts (2 of 4 stars). 2 submissions from 2 submitters: Uncertain significance (2). Last evaluated 2024-12-12.

Conditions:
Inborn genetic diseases. Identifiers: MedGen C0950123, MeSH D030342.

Allele frequency attached by ClinVar (database versions not stated): gnomAD 0.00001; TOPMed 0.00002.
gnomAD v4.1: 4 of 1,492,446 alleles (0.00027%); highest among the groups gnomAD compares: African/African-American, 0.0042%; no homozygotes.

Submissions (2):

Ambry Genetics
Classification: Uncertain significance for Inborn genetic diseases. Last evaluated: 2024-12-12. Review status: criteria provided, single submitter. Criteria: Ambry Variant Classification Scheme 2023. Collection method: clinical testing. Allele origin: germline.

Women's Health and Genetics/Laboratory Corporation of America, LabCorp
Classification: Uncertain significance. Last evaluated: 2023-07-19. Review status: criteria provided, single submitter. Criteria: LabCorp Variant Classification Summary - May 2015. Collection method: clinical testing. Allele origin: germline.
Comment: Variant summary: GRIN2D c.2711C>G (p.Pro904Arg) results in a non-conservative amino acid change in the encoded protein sequence. Three of five in-silico tools predict a damaging effect of the variant on protein function. The variant allele was found at a frequency of 9.8e-06 in 101768 control chromosomes. The available data on variant occurrences in the general population are insufficient to allow any conclusion about variant significance. To our knowledge, no occurrence of c.2711C>G in individuals affected with Epileptic Encephalopathy, Early Infantile, 46 and no experimental evidence demonstrating its impact on protein function have been reported. No submitters have cited clinical-significance assessments for this variant to ClinVar after 2014. Based on the evidence outlined above, the variant was classified as uncertain significance.